The following is an entry in ClinVar:

ClinVar aggregate classification (germline): Uncertain significance (1 of 4 stars; one submission).

gnomAD v4.1: 1 of 1,613,884 alleles (0.000062%); highest among the groups gnomAD compares: Non-Finnish European, 0.000085%; no homozygotes.

Submission:

Ambry Genetics
Classification: Uncertain significance. Last evaluated: 2025-02-03. Review status: criteria provided, single submitter. Criteria: Ambry Variant Classification Scheme 2023. Collection method: clinical testing. Allele origin: germline.
Comment: The p.G438A variant (also known as c.1313G>C), located in coding exon 7 of the PALLD gene, results from a G to C substitution at nucleotide position 1313. The glycine at codon 438 is replaced by alanine, an amino acid with similar properties. This amino acid position is conserved. In addition, the in silico prediction for this alteration is inconclusive. Based on the available evidence, the clinical significance of this variant remains unclear.

NM_001166108.2(PALLD):c.2825G>C (p.Gly942Ala)

Genes: CBR4 (carbonyl reductase 4; minus strand), PALLD (palladin, cytoskeletal associated protein; plus strand). Cytogenetic location: 4q32.3.
Variant type: single nucleotide variant.
Coding change: c.2825G>C on transcript NM_001166108.2 (MANE Select); coding-DNA position 2825, G replaced by C.
Protein change: p.Gly942Ala; replaces glycine 942 with alanine.
Molecular consequence: missense variant.
Genome position (GRCh38, 1-based): chr4:168,916,002, G>C. VCF-style: chr4-168916002-G-C. GRCh37 (hg19) VCF-style: chr4-169837153-G-C.
Other names: c.1628G>C, p.Gly543Ala (NM_001166109.2); c.1313G>C, p.Gly438Ala (NM_001166110.2); c.653G>C, p.Gly218Ala (NM_001367567.1, NM_001367569.1); c.704G>C, p.Gly235Ala (NM_001367568.1, NM_001367570.1); c.2774G>C, p.Gly925Ala (NM_016081.4); short protein forms G543A, G235A, G218A, G438A, G925A, G942A.
Identifiers: ClinVar variation 3885256 (VCV003885256.1).
Genomic context (GRCh38, chr4:168,916,002, plus strand): 5'-AGGAGCGATTCTTCAGACCTCACTTCTTGCAGGCTCCTGGAGATCTGACTGTTCAAGAAG[G>C]AAAACTCTGCAGAATGGACTGCAAAGTAAGATTTTGTTATTGCTTGCATATCCTATTGCC-3'
Protein context (NP_001159580.1, residues 932-952): QAPGDLTVQE[Gly942Ala]KLCRMDCKVS